The following is an entry in ClinVar:

ClinVar aggregate classification (germline): Pathogenic. Review status: criteria provided, multiple submitters, no conflicts (2 of 4 stars). 2 submissions from 2 submitters: Pathogenic (2). Last evaluated 2022-11-03.

Submissions (2):

Labcorp Genetics (formerly Invitae), Labcorp
Classification: Pathogenic. Last evaluated: 2022-11-03. Review status: criteria provided, single submitter. Criteria: Invitae Variant Classification Sherloc (09022015). Collection method: clinical testing. Allele origin: germline.
Comment: For these reasons, this variant has been classified as Pathogenic. ClinVar contains an entry for this variant (Variation ID: 1199942). This premature translational stop signal has been observed in individual(s) with dystrophic epidermolysis bullosa (PMID: 22266148). This variant is not present in population databases (gnomAD no frequency). This sequence change creates a premature translational stop signal (p.Pro2385Glnfs*3) in the COL7A1 gene. It is expected to result in an absent or disrupted protein product. Loss-of-function variants in COL7A1 are known to be pathogenic (PMID: 16971478).

GeneDx
Classification: Pathogenic. Last evaluated: 2019-03-19. Review status: criteria provided, single submitter. Criteria: GeneDx Variant Classification Process June 2021. Collection method: clinical testing. Allele origin: germline. Affected: yes.
Comment: Frameshift variant predicted to result in protein truncation or nonsense mediated decay in a gene for which loss-of-function is a known mechanism of disease; Not observed in large population cohorts (Lek et al., 2016); This variant is associated with the following publications: (PMID: 22266148)

Literature cited by the submitters: PubMed 22266148 (cited by Labcorp Genetics (formerly Invitae), Labcorp); PubMed 16971478 (cited by Labcorp Genetics (formerly Invitae), Labcorp).

NM_000094.4(COL7A1):c.7154del (p.Pro2385fs)

Gene: COL7A1 (collagen type VII alpha 1 chain; minus strand). Cytogenetic location: 3p21.31.
Variant type: Deletion.
Coding change: c.7154del on transcript NM_000094.4 (MANE Select); coding-DNA position 7154, one base deleted (C; older notation c.7154delC).
Protein change: p.Pro2385fs; shifts the reading frame from proline 2385.
Molecular consequence: frameshift variant.
Genome position (GRCh38, 1-based): chr3:48,571,111, G deleted on the plus strand (C on the coding strand, the reverse complement: COL7A1 is on the minus strand); the first of 2 consecutive G bases (chr3:48,571,111-48,571,112); deleting either gives the same sequence. VCF-style (leftmost placement, unchanged base first): chr3-48571110-TG-T. GRCh37 (hg19) VCF-style: chr3-48608543-TG-T.
Other names: short protein forms P2385fs.
Identifiers: ClinVar variation 1199942 (VCV001199942.11), dbSNP rs909040709, ClinGen allele CA73975337.